The following is an entry in ClinVar:

ClinVar aggregate classification (germline): Uncertain significance (1 of 4 stars; one submission).

Conditions:
Combined oxidative phosphorylation defect type 27. Also called: Combined oxidative phosphorylation deficiency 27. Identifiers: Orphanet 477774, MedGen C5567608, MONDO:0014728, OMIM 616672.

Submission:

Labcorp Genetics (formerly Invitae), Labcorp
Classification: Uncertain significance for Combined oxidative phosphorylation deficiency 27. Last evaluated: 2019-10-01. Review status: criteria provided, single submitter. Criteria: Invitae Variant Classification Sherloc (09022015). Collection method: clinical testing. Allele origin: germline.
Comment: This variant results in a copy number gain of the genomic region encompassing exons 7-15 of the CARS2 gene. The 5' boundary is likely confined to intron 6. The 3' end of this event is unknown as it extends beyond the assayed region for this gene and therefore may encompass additional genes. As the precise location of this event is unknown, it may be in tandem or it may be located elsewhere in the genome. This variant has not been reported in the literature in individuals with CARS2-related conditions. In summary, the available evidence is currently insufficient to determine the role of this variant in disease. Therefore, it has been classified as a Variant of Uncertain Significance.

NC_000013.11:g.(?_110641517)_(110677123_?)dup

Gene: CARS2 (cysteinyl-tRNA synthetase 2, mitochondrial; minus strand). Cytogenetic location: 13q34.
Variant type: Duplication.
Identifiers: ClinVar variation 833072 (VCV000833072.1).